The following is an entry in ClinVar:

NM_005732.4(RAD50):c.731A>T (p.Tyr244Phe)

Gene: RAD50 (RAD50 double strand break repair protein; plus strand). Cytogenetic location: 5q31.1.
Variant type: single nucleotide variant.
Coding change: c.731A>T on transcript NM_005732.4 (MANE Select); coding-DNA position 731, A replaced by T.
Protein change: p.Tyr244Phe; replaces tyrosine 244 with phenylalanine.
Molecular consequence: missense variant.
Genome position (GRCh38, 1-based): chr5:132,580,041, A>T. VCF-style: chr5-132580041-A-T. GRCh37 (hg19) VCF-style: chr5-131915733-A-T.
Other names: short protein forms Y244F.
Identifiers: ClinVar variation 949767 (VCV000949767.10), dbSNP rs777037448, ClinGen allele CA360937207.
Genomic context (GRCh38, chr5:132,580,041, plus strand): 5'-GTGATCAGATTACAAGTAAGGAAGCCCAGTTAACATCTTCAAAGGAAATTGTCAAATCCT[A>T]TGAGAATGAACTTGATCCATTGAAGGTAACTTGATTTTATTTTTAATTGACAAAAATTGT-3'
Protein context (NP_005723.2, residues 234-254): LTSSKEIVKS[Tyr244Phe]ENELDPLKNR

ClinVar aggregate classification (germline): Uncertain significance (1 of 4 stars; one submission).

Conditions:
Hereditary cancer-predisposing syndrome. Also called: Hereditary neoplastic syndrome; Neoplastic Syndromes, Hereditary; Tumor predisposition; Hereditary Cancer Syndrome. Identifiers: Orphanet 140162, MedGen C0027672, MeSH D009386, MONDO:0015356.

gnomAD v4.1: 2 of 1,612,252 alleles (0.00012%); highest among the groups gnomAD compares: Non-Finnish European, 0.00017%; no homozygotes.

Submission:

Labcorp Genetics (formerly Invitae), Labcorp
Classification: Uncertain significance for Hereditary cancer-predisposing syndrome. Last evaluated: 2019-04-18. Review status: criteria provided, single submitter. Criteria: Invitae Variant Classification Sherloc (09022015). Collection method: clinical testing. Allele origin: germline.
Comment: This sequence change replaces tyrosine with phenylalanine at codon 244 of the RAD50 protein (p.Tyr244Phe). The tyrosine residue is moderately conserved and there is a small physicochemical difference between tyrosine and phenylalanine. This variant is not present in population databases (ExAC no frequency). This variant has not been reported in the literature in individuals with RAD50-related conditions. Algorithms developed to predict the effect of missense changes on protein structure and function (SIFT, PolyPhen-2, Align-GVGD) all suggest that this variant is likely to be tolerated, but these predictions have not been confirmed by published functional studies and their clinical significance is uncertain. In summary, the available evidence is currently insufficient to determine the role of this variant in disease. Therefore, it has been classified as a Variant of Uncertain Significance.